The following is an entry in ClinVar:

ClinVar aggregate classification (germline): Conflicting classifications of pathogenicity. Review status: criteria provided, conflicting classifications (1 of 4 stars). 8 submissions from 8 submitters: Uncertain significance (1); Benign (1); Likely benign (4). 2 of the submissions do not count toward it. Last evaluated 2026-01-28.

Conditions:
TWIST1-related disorder.
TWIST1-related craniosynostosis (CRS1). Also called: CRANIOSYNOSTOSIS 1. Identifiers: Orphanet 63440, MedGen C4551902, MONDO:0007399, OMIM 123100. Inheritance: Heterogenous inheritance pattern.
Saethre-Chotzen syndrome (SCS). Also called: CHOTZEN SYNDROME; ACROCEPHALY, SKULL ASYMMETRY, AND MILD SYNDACTYLY; ACS III. Identifiers: Orphanet 794, MedGen C0175699, MONDO:0007042, OMIM 101400.

Submissions (8):

Labcorp Genetics (formerly Invitae), Labcorp
Classification: Likely benign for TWIST1-related craniosynostosis; Saethre-Chotzen syndrome. Last evaluated: 2026-01-28. Review status: criteria provided, single submitter. Criteria: Invitae Variant Classification Sherloc (09022015). Collection method: clinical testing. Allele origin: germline.

Laboratory of Genetics, Children's Clinical University Hospital Latvia
Classification: Likely benign. Last evaluated: 2025-02-16. Review status: criteria provided, single submitter. Criteria: ACMG Guidelines, 2015. Collection method: clinical testing. Allele origin: germline. Affected: yes.

Blueprint Genetics
Classification: Likely benign. Last evaluated: 2024-11-14. Review status: criteria provided, single submitter. Criteria: ACMG Guidelines, 2015. Collection method: clinical testing. Allele origin: germline.

CeGaT Center for Human Genetics Tuebingen
Classification: Benign. Last evaluated: 2024-11-01. Review status: criteria provided, single submitter. Criteria: CeGaT Center For Human Genetics Tuebingen Variant Classification Criteria Version 2. Collection method: clinical testing. Allele origin: germline. Affected: yes. Observed: 3 variant alleles.
Comment: TWIST1: BS1, BS2

PreventionGenetics, part of Exact Sciences
Classification: Uncertain significance for TWIST1-related condition. Last evaluated: 2022-11-18. Review status: criteria provided, single submitter. Criteria: ACMG Guidelines, 2015. Collection method: clinical testing. Allele origin: germline.
Comment: The TWIST1 c.257_259dupGCG variant is predicted to result in an in-frame duplication (p.Gly86dup). This variant, along with variants in the NF1, RAF1, and WHSC1 genes, was reported in a patient with both hepatoblastoma and neuroblastoma (Skoczen et al. 2019. PubMed ID: 31019896). This variant is reported in 0.072% of alleles in individuals of European (Non-Finnish) descent in gnomAD. At this time, the clinical significance of this variant is uncertain due to the absence of conclusive functional and genetic evidence.

Department of Pathology and Laboratory Medicine, Sinai Health System
Classification: Likely benign for TWIST1-related craniosynostosis. Last evaluated: 2019-11-28. Review status: criteria provided, single submitter. Criteria: ACMG Guidelines, 2015. Collection method: research. Allele origin: germline.

Diagnostic Laboratory, Department of Genetics, University Medical Center Groningen
Classification: Likely benign. Review status: no assertion criteria provided. Collection method: clinical testing. Allele origin: germline. Affected: yes. Study: VKGL Data-share Consensus. Not counted in ClinVar's aggregate classification.

Laboratory of Diagnostic Genome Analysis, Leiden University Medical Center (LUMC)
Classification: Likely benign. Review status: no assertion criteria provided. Collection method: clinical testing. Allele origin: germline. Affected: yes. Study: VKGL Data-share Consensus. Not counted in ClinVar's aggregate classification.

NM_000474.4(TWIST1):c.245GCG[6] (p.Gly86dup)

Gene: TWIST1 (twist family bHLH transcription factor 1; minus strand). Cytogenetic location: 7p21.1.
Variant type: Microsatellite.
Coding change: c.245GCG[6] on transcript NM_000474.4 (MANE Select); six copies in a row of the 3-base unit GCG starting at c.245; the reference has five copies in a row; one copy, 3 bases duplicated; also written c.257_259dup.
Protein change: p.Gly86dup; duplicates glycine 86.
Molecular consequence: inframe insertion. On other transcripts: non-coding transcript variant (1).
Genome position (GRCh38, 1-based): chr7:19,117,063-19,117,065, CGC duplicated on the plus strand (GCG on the coding strand, the reverse complement: TWIST1 is on the minus strand); duplicating any 3 consecutive bases within chr7:19,117,063-19,117,078 gives the same sequence; the position shown is the placement nearest the transcript's 3' end. VCF-style (leftmost placement, unchanged base first): chr7-19117062-G-GCGC. GRCh37 (hg19) VCF-style: chr7-19156685-G-GCGC.
Other names: c.257_259dup (NM_000474.3); c.259_260insGCG (NM_000474.4).
Identifiers: ClinVar variation 772125 (VCV000772125.38), dbSNP rs754552080, ClinGen allele CA155466608.